The following is an entry in ClinVar:

NM_018451.5(CPAP):c.4016G>A (p.Ter1339=)

Genes: CPAP (centrosome assembly and centriole elongation protein; minus strand), RNF17 (ring finger protein 17; plus strand). Cytogenetic location: 13q12.12.
Variant type: single nucleotide variant.
Coding change: c.4016G>A on transcript NM_018451.5 (MANE Select); coding-DNA position 4016, G replaced by A.
Protein change: p.Ter1339=.
Molecular consequence: synonymous variant. On other transcripts: non-coding transcript variant (2).
Genome position (GRCh38, 1-based): chr13:24,883,178, C>T on the plus strand (G>A on the coding strand, the complement: CPAP is on the minus strand). VCF-style: chr13-24883178-C-T. GRCh37 (hg19) VCF-style: chr13-25457316-C-T.
Identifiers: ClinVar variation 881145 (VCV000881145.13), dbSNP rs768167259, ClinGen allele CA6919068.

ClinVar aggregate classification (germline): Conflicting classifications of pathogenicity. Review status: criteria provided, conflicting classifications (1 of 4 stars). 4 submissions from 3 submitters: Uncertain significance (2); Likely benign (1). 1 of the submissions does not count toward it. Last evaluated 2025-12-17.

Conditions:
Microcephaly 6, primary, autosomal recessive. Identifiers: Orphanet 2512, MedGen C1842109, MONDO:0012029, OMIM 608393.
CENPJ-related disorder. Also called: CENPJ-related condition; CENPJ-related disorders.
Seckel syndrome 4 (SCKL4). Identifiers: Orphanet 808, MedGen C3888212, MONDO:0013358, OMIM 613676.

Allele frequency attached by ClinVar (database versions not stated): gnomAD exomes 0.00004 and 0.00002; ExAC 0.00002; TOPMed 0.00001; gnomAD 0.00003.
gnomAD v4.1: 68 of 1,613,390 alleles (0.0042%); highest among the groups gnomAD compares: Non-Finnish European, 0.0054%; no homozygotes.

Submissions (4):

Labcorp Genetics (formerly Invitae), Labcorp
Classification: Likely benign. Last evaluated: 2025-12-17. Review status: criteria provided, single submitter. Criteria: Invitae Variant Classification Sherloc (09022015). Collection method: clinical testing. Allele origin: germline.

Illumina Laboratory Services, Illumina
Classification: Uncertain significance for Seckel syndrome 4. Last evaluated: 2018-01-13. Review status: criteria provided, single submitter. Criteria: ICSL Variant Classification Criteria 13 December 2019. Collection method: clinical testing. Allele origin: germline.

Illumina Laboratory Services, Illumina
Classification: Uncertain significance for Microcephaly 6, primary, autosomal recessive. Last evaluated: 2018-01-13. Review status: criteria provided, single submitter. Criteria: ICSL Variant Classification Criteria 13 December 2019. Collection method: clinical testing. Allele origin: germline.

PreventionGenetics, part of Exact Sciences
Classification: Likely benign for CENPJ-related condition. Last evaluated: 2020-12-29. Review status: no assertion criteria provided. Collection method: clinical testing. Allele origin: germline. Not counted in ClinVar's aggregate classification.
Comment: This variant is classified as likely benign based on ACMG/AMP sequence variant interpretation guidelines (Richards et al. 2015 PMID: 25741868, with internal and published modifications).